The following is an entry in ClinVar:

NM_002474.3(MYH11):c.4999T>A (p.Ser1667Thr)

Genes: MYH11 (myosin heavy chain 11; minus strand), NDE1 (nudE neurodevelopment protein 1; plus strand). Cytogenetic location: 16p13.11.
Variant type: single nucleotide variant.
Coding change: c.4999T>A on transcript NM_002474.3 (MANE Select); coding-DNA position 4999, T replaced by A.
Protein change: p.Ser1667Thr; replaces serine 1667 with threonine.
Molecular consequence: missense variant. On other transcripts: intron variant (2).
Genome position (GRCh38, 1-based): chr16:15,719,668, A>T on the plus strand (T>A on the coding strand, the complement: MYH11 is on the minus strand). VCF-style: chr16-15719668-A-T. GRCh37 (hg19) VCF-style: chr16-15813525-A-T.
Other names: c.5020T>A, p.Ser1674Thr (NM_001040113.2, NM_001040114.2); c.4999T>A, p.Ser1667Thr (NM_022844.3); c.948-4523A>T (NM_001143979.2, NM_017668.3); short protein forms S1667T, S1674T.
Identifiers: ClinVar variation 3072950 (VCV003072950.1), dbSNP rs2506108496, ClinGen allele CA394851732.

ClinVar aggregate classification (germline): Uncertain significance (1 of 4 stars; one submission).

Conditions:
Familial thoracic aortic aneurysm and aortic dissection (TAAD). Also called: Thoracic aortic aneurysms and dissections. Identifiers: Orphanet 91387, MedGen C4707243, MONDO:0019625.

Submission:

All of Us Research Program, National Institutes of Health
Classification: Uncertain significance for Familial thoracic aortic aneurysm and aortic dissection. Last evaluated: 2023-08-15. Review status: criteria provided, single submitter. Criteria: ACMG Guidelines, 2015. Collection method: clinical testing. Allele origin: germline. Inheritance: Autosomal dominant inheritance. Observed: 1 variant allele, 1 heterozygote.
Comment: This missense variant replaces serine with threonine at codon 1674 of the MYH11 protein. Computational prediction suggests that this variant may not impact protein structure and function (internally defined REVEL score threshold <= 0.5, PMID: 27666373). To our knowledge, functional studies have not been reported for this variant. This variant has not been reported in individuals affected with MYH11-related disorders in the literature. This variant has not been identified in the general population by the Genome Aggregation Database (gnomAD). The available evidence is insufficient to determine the role of this variant in disease conclusively. Therefore, this variant is classified as a Variant of Uncertain Significance.

This study involves interpretation of variants in research participants for the purpose of population health screening. Participant phenotype was not available at the time of variant classification. Additional details can be found in publication PMID: 35346344, PMCID: PMC8962531